The following is an entry in ClinVar:

NM_015681.6(B9D1):c.380C>T (p.Thr127Met)

Gene: B9D1 (B9 domain containing 1; minus strand). Cytogenetic location: 17p11.2.
Variant type: single nucleotide variant.
Coding change: c.380C>T on transcript NM_015681.6 (MANE Select); coding-DNA position 380, C replaced by T.
Protein change: p.Thr127Met; replaces threonine 127 with methionine.
Molecular consequence: missense variant.
Genome position (GRCh38, 1-based): chr17:19,347,293, G>A on the plus strand (C>T on the coding strand, the complement: B9D1 is on the minus strand). VCF-style: chr17-19347293-G-A. GRCh37 (hg19) VCF-style: chr17-19250606-G-A.
Other names: c.380C>T, p.Thr127Met (NM_001321214.2, NM_001321215.3, NM_001321216.2 and 4 more transcripts); c.20C>T, p.Thr7Met (NM_001368769.2); c.380C>T (NM_015681.3); short protein forms T7M, T127M.
Identifiers: ClinVar variation 1521761 (VCV001521761.5), dbSNP rs779138882, ClinGen allele CA8440239.

ClinVar aggregate classification (germline): Uncertain significance. Review status: criteria provided, multiple submitters, no conflicts (2 of 4 stars). 2 submissions from 2 submitters: Uncertain significance (2). Last evaluated 2025-09-04.

Conditions:
Meckel-Gruber syndrome. Also called: DYSENCEPHALIA SPLANCHNOCYSTICA; GRUBER SYNDROME; Dysencephalia splachnocystica. Identifiers: Orphanet 564, MedGen C0265215, MONDO:0018921.
Joubert syndrome. Also called: CEREBELLOPARENCHYMAL DISORDER IV; JOUBERT-BOLTSHAUSER SYNDROME; Familial aplasia of the vermis. Identifiers: Orphanet 475, MedGen C5979921, MONDO:0018772.
Inborn genetic diseases. Identifiers: MedGen C0950123, MeSH D030342.

Allele frequency attached by ClinVar (database versions not stated): ExAC 0.00001; gnomAD exomes 0.00001 and 0.00003; TOPMed 0.00001; gnomAD 0.00002.
gnomAD v4.1: 15 of 1,614,130 alleles (0.00093%); highest among the groups gnomAD compares: Admixed American, 0.013%; no homozygotes.

Submissions (2):

Ambry Genetics
Classification: Uncertain significance for Inborn genetic diseases. Last evaluated: 2025-09-04. Review status: criteria provided, single submitter. Criteria: Ambry Variant Classification Scheme 2023. Collection method: clinical testing. Allele origin: germline.

Labcorp Genetics (formerly Invitae), Labcorp
Classification: Uncertain significance for Joubert syndrome; Meckel-Gruber syndrome. Last evaluated: 2023-11-27. Review status: criteria provided, single submitter. Criteria: Invitae Variant Classification Sherloc (09022015). Collection method: clinical testing. Allele origin: germline.
Comment: This sequence change replaces threonine, which is neutral and polar, with methionine, which is neutral and non-polar, at codon 127 of the B9D1 protein (p.Thr127Met). This variant is present in population databases (rs779138882, gnomAD 0.01%). This variant has not been reported in the literature in individuals affected with B9D1-related conditions. ClinVar contains an entry for this variant (Variation ID: 1521761). An algorithm developed to predict the effect of missense changes on protein structure and function (PolyPhen-2) suggests that this variant is likely to be disruptive. In summary, the available evidence is currently insufficient to determine the role of this variant in disease. Therefore, it has been classified as a Variant of Uncertain Significance.